The following is an entry in ClinVar:

NM_181078.3(IL21R):c.833T>A (p.Met278Lys)

Gene: IL21R (interleukin 21 receptor; plus strand). Cytogenetic location: 16p12.1.
Variant type: single nucleotide variant.
Coding change: c.833T>A on transcript NM_181078.3 (MANE Select); coding-DNA position 833, T replaced by A.
Protein change: p.Met278Lys; replaces methionine 278 with lysine.
Molecular consequence: missense variant.
Genome position (GRCh38, 1-based): chr16:27,446,054, T>A. VCF-style: chr16-27446054-T-A. GRCh37 (hg19) VCF-style: chr16-27457375-T-A.
Other names: c.833T>A, p.Met278Lys (NM_021798.4); c.899T>A, p.Met300Lys (NM_181079.5); short protein forms M300K, M278K.
Identifiers: ClinVar variation 656864 (VCV000656864.4), dbSNP rs369667782, ClinGen allele CA7975085.

ClinVar aggregate classification (germline): Uncertain significance (1 of 4 stars; one submission).

Conditions:
Cryptosporidiosis-chronic cholangitis-liver disease syndrome. Also called: IL21R immunodeficiency; Immunodeficiency type 56. Identifiers: Orphanet 357329, MedGen C3554687, MONDO:0014082, OMIM 615207.

Allele frequency attached by ClinVar (database versions not stated): ESP Exome Variant Server 0.00008; gnomAD 0.00006; TOPMed 0.00012.

Submission:

Labcorp Genetics (formerly Invitae), Labcorp
Classification: Uncertain significance for Cryptosporidiosis-chronic cholangitis-liver disease syndrome. Last evaluated: 2021-12-18. Review status: criteria provided, single submitter. Criteria: Invitae Variant Classification Sherloc (09022015). Collection method: clinical testing. Allele origin: germline.
Comment: This sequence change replaces methionine, which is neutral and non-polar, with lysine, which is basic and polar, at codon 278 of the IL21R protein (p.Met278Lys). This variant is present in population databases (rs369667782, gnomAD 0.03%). This variant has not been reported in the literature in individuals affected with IL21R-related conditions. ClinVar contains an entry for this variant (Variation ID: 656864). Algorithms developed to predict the effect of missense changes on protein structure and function output the following: SIFT: "Tolerated"; PolyPhen-2: "Benign"; Align-GVGD: "Class C0". The lysine amino acid residue is found in multiple mammalian species, which suggests that this missense change does not adversely affect protein function. In summary, the available evidence is currently insufficient to determine the role of this variant in disease. Therefore, it has been classified as a Variant of Uncertain Significance.